The following is an entry in ClinVar:

ClinVar aggregate classification (germline): Conflicting classifications of pathogenicity. Review status: criteria provided, conflicting classifications (1 of 4 stars). 6 submissions from 6 submitters: Likely pathogenic (1); Uncertain significance (5). Last evaluated 2026-01-19.

Conditions:
Hereditary cancer-predisposing syndrome. Also called: Hereditary neoplastic syndrome; Neoplastic Syndromes, Hereditary; Tumor predisposition; Hereditary Cancer Syndrome. Identifiers: Orphanet 140162, MedGen C0027672, MeSH D009386, MONDO:0015356.
Ovarian cancer. Also called: OVARIAN CANCER, SOMATIC. Identifiers: Orphanet 213500, MedGen C1140680, MONDO:0008170, OMIM 167000.
Neuroblastoma, susceptibility to, 3. Also called: ALK-Related Neuroblastic Tumor Susceptibility. Identifiers: Orphanet 635, MedGen C2751681, MONDO:0013083, OMIM 613014.

Allele frequency attached by ClinVar (database versions not stated): gnomAD 0.00001; gnomAD exomes 0.00001; TOPMed 0.00003; ESP Exome Variant Server 0.00008.
gnomAD v4.1: 21 of 1,613,908 alleles (0.0013%); highest among the groups gnomAD compares: Middle Eastern, 0.016%; no homozygotes.

Submissions (6):

Labcorp Genetics (formerly Invitae), Labcorp
Classification: Uncertain significance for Neuroblastoma, susceptibility to, 3. Last evaluated: 2026-01-19. Review status: criteria provided, single submitter. Criteria: Invitae Variant Classification Sherloc (09022015). Collection method: clinical testing. Allele origin: germline.
Comment: This sequence change replaces valine, which is neutral and non-polar, with methionine, which is neutral and non-polar, at codon 757 of the ALK protein (p.Val757Met). This variant is present in population databases (rs371005946, gnomAD 0.006%). This variant has not been reported in the literature in individuals affected with ALK-related conditions. ClinVar contains an entry for this variant (Variation ID: 470785). An algorithm developed to predict the effect of missense changes on protein structure and function (PolyPhen-2) suggests that this variant is likely to be disruptive. In summary, the available evidence is currently insufficient to determine the role of this variant in disease. Therefore, it has been classified as a Variant of Uncertain Significance.

Ambry Genetics
Classification: Uncertain significance for Hereditary cancer-predisposing syndrome. Last evaluated: 2025-01-16. Review status: criteria provided, single submitter. Criteria: Ambry Variant Classification Scheme 2023. Collection method: clinical testing. Allele origin: germline.
Comment: The p.V757M variant (also known as c.2269G>A), located in coding exon 13 of the ALK gene, results from a G to A substitution at nucleotide position 2269. The valine at codon 757 is replaced by methionine, an amino acid with highly similar properties. This amino acid position is well conserved in available vertebrate species. In addition, this alteration is predicted to be tolerated by in silico analysis. Based on the available evidence, the clinical significance of this variant remains unclear.

Fulgent Genetics
Classification: Uncertain significance for Neuroblastoma, susceptibility to, 3. Last evaluated: 2024-06-21. Review status: criteria provided, single submitter. Criteria: ACMG Guidelines, 2015. Collection method: clinical testing. Allele origin: germline.

Baylor Genetics
Classification: Uncertain significance for Neuroblastoma, susceptibility to, 3. Last evaluated: 2023-10-03. Review status: criteria provided, single submitter. Criteria: ACMG Guidelines, 2015. Collection method: clinical testing. Allele origin: unknown.

GeneDx
Classification: Uncertain significance. Last evaluated: 2022-10-27. Review status: criteria provided, single submitter. Criteria: GeneDx Variant Classification Process June 2021. Collection method: clinical testing. Allele origin: germline. Affected: yes.
Comment: Not observed at significant frequency in large population cohorts (gnomAD); In silico analysis supports that this missense variant does not alter protein structure/function; Has not been previously published as a germline pathogenic or benign variant to our knowledge; This variant is associated with the following publications: (PMID: 24710307)

Laboratory of Molecular Epidemiology of Birth Defects, West China Second University Hospital, Sichuan University
Classification: Likely pathogenic for Ovarian cancer. Last evaluated: 2022-01-01. Review status: criteria provided, single submitter. Criteria: ACMG Guidelines, 2015. Collection method: clinical testing. Allele origin: germline. Affected: yes.

NM_004304.5(ALK):c.2269G>A (p.Val757Met)

Gene: ALK (ALK receptor tyrosine kinase; minus strand). Cytogenetic location: 2p23.2.
Variant type: single nucleotide variant.
Coding change: c.2269G>A on transcript NM_004304.5 (MANE Select); coding-DNA position 2269, G replaced by A.
Protein change: p.Val757Met; replaces valine 757 with methionine.
Molecular consequence: missense variant.
Genome position (GRCh38, 1-based): chr2:29,239,766, C>T on the plus strand (G>A on the coding strand, the complement: ALK is on the minus strand). VCF-style: chr2-29239766-C-T. GRCh37 (hg19) VCF-style: chr2-29462632-C-T.
Other names: short protein forms V757M.
Identifiers: ClinVar variation 470785 (VCV000470785.14), dbSNP rs371005946, ClinGen allele CA1594372.